The following is an entry in ClinVar:

ClinVar aggregate classification (germline): Uncertain significance (1 of 4 stars; one submission).

Conditions:
RYR1-related disorder. Also called: RYR1-related condition; RYR1-related disorders. Identifiers: MedGen CN239331.

Allele frequency attached by ClinVar (database versions not stated): TOPMed below 0.00001.

Submission:

Labcorp Genetics (formerly Invitae), Labcorp
Classification: Uncertain significance for RYR1-related disorder. Last evaluated: 2020-01-11. Review status: criteria provided, single submitter. Criteria: Invitae Variant Classification Sherloc (09022015). Collection method: clinical testing. Allele origin: germline.
Comment: This sequence change replaces glutamic acid with lysine at codon 4256 of the RYR1 protein (p.Glu4256Lys). The glutamic acid residue is moderately conserved and there is a small physicochemical difference between glutamic acid and lysine. The frequency data for this variant in the population databases is considered unreliable, as metrics indicate insufficient coverage at this position in the ExAC database. This variant has not been reported in the literature in individuals with RYR1-related conditions. Algorithms developed to predict the effect of missense changes on protein structure and function are either unavailable or do not agree on the potential impact of this missense change (SIFT: "Tolerated"; PolyPhen-2: "Not Available"; Align-GVGD: "Class C0"). This sequence change is located in a region of the RYR1 protein where a significant number of previously reported RYR1 missense mutations are found (PMID: 16084090). In summary, the available evidence is currently insufficient to determine the role of this variant in disease. Therefore, it has been classified as a Variant of Uncertain Significance.

Literature cited by the submitters: PubMed 16084090.

NM_000540.3(RYR1):c.12766G>A (p.Glu4256Lys)

Gene: RYR1 (ryanodine receptor 1; plus strand). Cytogenetic location: 19q13.2.
Variant type: single nucleotide variant.
Coding change: c.12766G>A on transcript NM_000540.3 (MANE Select); coding-DNA position 12766, G replaced by A.
Protein change: p.Glu4256Lys; replaces glutamic acid 4256 with lysine.
Molecular consequence: missense variant.
Genome position (GRCh38, 1-based): chr19:38,565,100, G>A. VCF-style: chr19-38565100-G-A. GRCh37 (hg19) VCF-style: chr19-39055740-G-A.
Other names: c.12751G>A, p.Glu4251Lys (NM_001042723.2); short protein forms E4251K, E4256K.
Identifiers: ClinVar variation 1036825 (VCV001036825.8), dbSNP rs770517037, ClinGen allele CA405671106.